The following is an entry in ClinVar:

NM_000132.4(F8):c.5220-16_5220-15insA

Gene: F8 (coagulation factor VIII; minus strand). Cytogenetic location: Xq28.
Variant type: Insertion.
Coding change: c.5220-16_5220-15insA on transcript NM_000132.4 (MANE Select); 16 bases into the intron before coding-DNA position 5220 through 15 bases into the intron before coding-DNA position 5220, A inserted.
Molecular consequence: intron variant.
Genome position: GRCh38 VCF-style: chrX-154906588-C-CT. GRCh37 (hg19) VCF-style: chrX-154134863-C-CT.
Identifiers: ClinVar variation 5004692 (VCV005004692.1).

ClinVar aggregate classification (germline): Uncertain significance (1 of 4 stars; one submission).

Conditions:
Hereditary factor VIII deficiency disease (HEMA). Also called: AUTOSOMAL HEMOPHILIA A; HEMOPHILIA, CLASSIC; Hemophilia A, congenital; HEM A; Factor 8 deficiency, congenital; Hemophilia A. Identifiers: Orphanet 98878, MedGen C0019069, MONDO:0010602, OMIM 306700.

Submission:

Myriad Genetics, Inc.
Classification: Uncertain significance for Hereditary factor VIII deficiency disease. Last evaluated: 2026-05-21. Review status: criteria provided, single submitter. Criteria: Myriad Autosomal Dominant, Autosomal Recessive and X-Linked Classification Criteria (2023). Collection method: clinical testing. Allele origin: unknown.
Comment: NM_000132.3(F8):c.5220-16_5220-15insA is an intronic variant classified as a variant of uncertain significance in the context of hemophilia A. c.5220-16_5220-15insA has been observed in a case with relevant disease (PMID: 12325022). Relevant functional assessments of this variant are not available in the literature. c.5220-16_5220-15insA has not been observed in referenced population frequency databases. In summary, there is insufficient evidence to classify NM_000132.3(F8):c.5220-16_5220-15insA as pathogenic or benign. Please note: this variant was assessed in the context of healthy population screening.

Literature cited by the submitters: PubMed 12325022.